The following is an entry in ClinVar:

NM_001572.5(IRF7):c.227G>A (p.Gly76Glu)

Gene: IRF7 (interferon regulatory factor 7; minus strand). Cytogenetic location: 11p15.5.
Variant type: single nucleotide variant.
Coding change: c.227G>A on transcript NM_001572.5 (MANE Select); coding-DNA position 227, G replaced by A.
Protein change: p.Gly76Glu; replaces glycine 76 with glutamic acid.
Molecular consequence: missense variant.
Genome position (GRCh38, 1-based): chr11:614,964, C>T on the plus strand (G>A on the coding strand, the complement: IRF7 is on the minus strand). VCF-style: chr11-614964-C-T. GRCh37 (hg19) VCF-style: chr11-614964-C-T.
Other names: c.227G>A, p.Gly76Glu (NM_004029.4); c.266G>A, p.Gly89Glu (NM_004031.4); short protein forms G76E, G89E.
Identifiers: ClinVar variation 2892424 (VCV002892424.3), dbSNP rs781248490, ClinGen allele CA5784033.

ClinVar aggregate classification (germline): Uncertain significance (1 of 4 stars; one submission).

Conditions:
Immunodeficiency 39 (IMD39). Identifiers: Orphanet 574918, MedGen C4225358, MONDO:0014597, OMIM 616345.

Allele frequency attached by ClinVar (database versions not stated): ExAC 0.00002; TOPMed 0.00002.

Submission:

Labcorp Genetics (formerly Invitae), Labcorp
Classification: Uncertain significance for Immunodeficiency 39. Last evaluated: 2023-08-10. Review status: criteria provided, single submitter. Criteria: Invitae Variant Classification Sherloc (09022015). Collection method: clinical testing. Allele origin: germline.
Comment: Advanced modeling of protein sequence and biophysical properties (such as structural, functional, and spatial information, amino acid conservation, physicochemical variation, residue mobility, and thermodynamic stability) performed at Invitae indicates that this missense variant is not expected to disrupt IRF7 protein function. In summary, the available evidence is currently insufficient to determine the role of this variant in disease. Therefore, it has been classified as a Variant of Uncertain Significance. This sequence change replaces glycine, which is neutral and non-polar, with glutamic acid, which is acidic and polar, at codon 89 of the IRF7 protein (p.Gly89Glu). This variant is present in population databases (rs781248490, gnomAD 0.004%). This variant has not been reported in the literature in individuals affected with IRF7-related conditions.